The following is an entry in ClinVar:

ClinVar aggregate classification (germline): Uncertain significance. Review status: criteria provided, single submitter (1 of 4 stars). 2 submissions from 2 submitters: Uncertain significance (1). 1 of the submissions does not count toward it. Last evaluated 2025-11-26.

Conditions:
PIK3C2B-related disorder. Also called: PIK3C2B-related condition.

Allele frequency attached by ClinVar (database versions not stated): ExAC 0.00081; 1000 Genomes Project 0.00339; 1000 Genomes Project 30x 0.00390; ESP Exome Variant Server 0.00346.
gnomAD v4.1: 722 of 1,608,408 alleles (0.045%); highest among the groups gnomAD compares: African/African-American, 0.89%; 4 homozygotes.

Submissions (2):

Ambry Genetics
Classification: Uncertain significance. Last evaluated: 2025-11-26. Review status: criteria provided, single submitter. Criteria: Ambry Variant Classification Scheme 2023. Collection method: clinical testing. Allele origin: germline.

PreventionGenetics, part of Exact Sciences
Classification: Benign for PIK3C2B-related condition. Last evaluated: 2024-07-18. Review status: no assertion criteria provided. Collection method: clinical testing. Allele origin: germline. Not counted in ClinVar's aggregate classification.
Comment: This variant is classified as benign based on ACMG/AMP sequence variant interpretation guidelines (Richards et al. 2015 PMID: 25741868, with internal and published modifications).

NM_001377334.1(PIK3C2B):c.591A>T (p.Gln197His)

Gene: PIK3C2B (phosphatidylinositol-4-phosphate 3-kinase catalytic subunit type 2 beta; minus strand). Cytogenetic location: 1q32.1.
Variant type: single nucleotide variant.
Coding change: c.591A>T on transcript NM_001377334.1 (MANE Select); coding-DNA position 591, A replaced by T.
Protein change: p.Gln197His; replaces glutamine 197 with histidine.
Molecular consequence: missense variant.
Genome position (GRCh38, 1-based): chr1:204,469,212, T>A on the plus strand (A>T on the coding strand, the complement: PIK3C2B is on the minus strand). VCF-style: chr1-204469212-T-A. GRCh37 (hg19) VCF-style: chr1-204438340-T-A.
Other names: c.591A>T, p.Gln197His (NM_001377335.1, NM_002646.4); short protein forms Q197H.
Identifiers: ClinVar variation 3056522 (VCV003056522.3), dbSNP rs17847778, ClinGen allele CA1348332.